The following is an entry in ClinVar:

ClinVar aggregate classification (germline): Likely benign. Review status: criteria provided, single submitter (1 of 4 stars). 2 submissions from 2 submitters: Likely benign (1). 1 of the submissions does not count toward it. Last evaluated 2018-12-28.

Conditions:
MAP1B-related disorder. Also called: MAP1B-related condition.

Allele frequency attached by ClinVar (database versions not stated): TOPMed 0.00001.
gnomAD v4.1: 26 of 1,614,040 alleles (0.0016%); highest among the groups gnomAD compares: Middle Eastern, 0.016%; no homozygotes.

Submissions (2):

Labcorp Genetics (formerly Invitae), Labcorp
Classification: Likely benign. Last evaluated: 2018-12-28. Review status: criteria provided, single submitter. Criteria: Invitae Variant Classification Sherloc (09022015). Collection method: clinical testing. Allele origin: germline.

PreventionGenetics, part of Exact Sciences
Classification: Likely benign for MAP1B-related condition. Last evaluated: 2024-09-11. Review status: no assertion criteria provided. Collection method: clinical testing. Allele origin: germline. Not counted in ClinVar's aggregate classification.
Comment: This variant is classified as likely benign based on ACMG/AMP sequence variant interpretation guidelines (Richards et al. 2015 PMID: 25741868, with internal and published modifications).

NM_005909.5(MAP1B):c.6633G>C (p.Ser2211=)

Gene: MAP1B (microtubule associated protein 1B; plus strand). Cytogenetic location: 5q13.2.
Variant type: single nucleotide variant.
Coding change: c.6633G>C on transcript NM_005909.5 (MANE Select); coding-DNA position 6633, G replaced by C.
Protein change: p.Ser2211=; no amino-acid change (serine 2211 retained).
Molecular consequence: synonymous variant.
Genome position (GRCh38, 1-based): chr5:72,199,988, G>C. VCF-style: chr5-72199988-G-C. GRCh37 (hg19) VCF-style: chr5-71495815-G-C.
Other names: c.6255G>C, p.Ser2085= (NM_001324255.2).
Identifiers: ClinVar variation 797438 (VCV000797438.4), dbSNP rs201776246, ClinGen allele CA3299508.